The following is an entry in ClinVar:

NM_014384.3(ACAD8):c.1162G>A (p.Val388Met)

Gene: ACAD8 (acyl-CoA dehydrogenase family member 8; plus strand). Cytogenetic location: 11q25.
Variant type: single nucleotide variant.
Coding change: c.1162G>A on transcript NM_014384.3 (MANE Select); coding-DNA position 1162, G replaced by A.
Protein change: p.Val388Met; replaces valine 388 with methionine.
Molecular consequence: missense variant.
Genome position (GRCh38, 1-based): chr11:134,262,589, G>A. VCF-style: chr11-134262589-G-A. GRCh37 (hg19) VCF-style: chr11-134132483-G-A.
Other names: c.1162G>A (NM_014384.2); short protein forms V388M.
Identifiers: ClinVar variation 1107235 (VCV001107235.11), dbSNP rs139792723, ClinGen allele CA6373244.
Genomic context (GRCh38, chr11:134,262,589, plus strand): 5'-CAGGCCTTGCAGATGCACGGGGGCTACGGCTACCTGAAGGATTACGCTGTTCAGCAGTAC[G>A]TGCGGGACTCCAGGGTCCACCAGATTCTAGAAGGTAAAAATTGCCAGAGGTTATTCTCTT-3'
Protein context (NP_055199.1, residues 378-398): YLKDYAVQQY[Val388Met]RDSRVHQILE

ClinVar aggregate classification (germline): Conflicting classifications of pathogenicity. Review status: criteria provided, conflicting classifications (1 of 4 stars). 3 submissions from 3 submitters: Uncertain significance (2); Likely benign (1). Last evaluated 2025-09-23.

Conditions:
Deficiency of isobutyryl-CoA dehydrogenase. Also called: IBD DEFICIENCY; ACYL-CoA DEHYDROGENASE FAMILY, MEMBER 8, DEFICIENCY OF; ACAD8 DEFICIENCY. Identifiers: Orphanet 79159, MedGen C1969809, MONDO:0012648, OMIM 611283.

Allele frequency attached by ClinVar (database versions not stated): ExAC 0.00025; gnomAD 0.00104 and 0.00111; 1000 Genomes Project 0.00120; ESP Exome Variant Server 0.00123; 1000 Genomes Project 30x 0.00125.
gnomAD v4.1: 281 of 1,614,004 alleles (0.017%); highest among the groups gnomAD compares: African/African-American, 0.34%; no homozygotes.

Submissions (3):

Labcorp Genetics (formerly Invitae), Labcorp
Classification: Likely benign for Deficiency of isobutyryl-CoA dehydrogenase. Last evaluated: 2025-09-23. Review status: criteria provided, single submitter. Criteria: Invitae Variant Classification Sherloc (09022015). Collection method: clinical testing. Allele origin: germline.

Revvity Omics, Revvity
Classification: Uncertain significance for Deficiency of isobutyryl-CoA dehydrogenase. Last evaluated: 2023-08-29. Review status: criteria provided, single submitter. Criteria: ACMG Guidelines, 2015. Collection method: clinical testing. Allele origin: germline.

GeneDx
Classification: Uncertain significance. Last evaluated: 2022-11-28. Review status: criteria provided, single submitter. Criteria: GeneDx Variant Classification Process June 2021. Collection method: clinical testing. Allele origin: germline. Affected: yes.
Comment: In silico analysis supports that this missense variant does not alter protein structure/function; Has not been previously published as pathogenic or benign to our knowledge